The following is an entry in ClinVar:

ClinVar aggregate classification (germline): Uncertain significance (1 of 4 stars; one submission).

Submission:

Labcorp Genetics (formerly Invitae), Labcorp
Classification: Uncertain significance. Last evaluated: 2022-07-21. Review status: criteria provided, single submitter. Criteria: Invitae Variant Classification Sherloc (09022015). Collection method: clinical testing. Allele origin: germline.
Comment: In summary, the available evidence is currently insufficient to determine the role of this variant in disease. Therefore, it has been classified as a Variant of Uncertain Significance. Algorithms developed to predict the effect of missense changes on protein structure and function are either unavailable or do not agree on the potential impact of this missense change (SIFT: "Not Available"; PolyPhen-2: "Probably Damaging"; Align-GVGD: "Not Available"). This variant has not been reported in the literature in individuals affected with FN1-related conditions. This variant is not present in population databases (gnomAD no frequency). This sequence change replaces aspartic acid, which is acidic and polar, with histidine, which is basic and polar, at codon 779 of the FN1 protein (p.Asp779His).

NM_212482.4(FN1):c.2335G>C (p.Asp779His)

Gene: FN1 (fibronectin 1; minus strand). Cytogenetic location: 2q35.
Variant type: single nucleotide variant.
Coding change: c.2335G>C on transcript NM_212482.4 (MANE Select); coding-DNA position 2335, G replaced by C.
Protein change: p.Asp779His; replaces aspartic acid 779 with histidine.
Molecular consequence: missense variant.
Genome position (GRCh38, 1-based): chr2:215,408,391, C>G on the plus strand (G>C on the coding strand, the complement: FN1 is on the minus strand). VCF-style: chr2-215408391-C-G. GRCh37 (hg19) VCF-style: chr2-216273114-C-G.
Other names: c.2335G>C, p.Asp779His (NM_001306129.2, NM_001306130.2, NM_001306131.2 and 13 more transcripts); short protein forms D779H.
Identifiers: ClinVar variation 2104328 (VCV002104328.4), dbSNP rs2470083751, ClinGen allele CA350491361.